The following is an entry in ClinVar:

ClinVar aggregate classification (germline): Pathogenic (1 of 4 stars; one submission).

Submission:

Labcorp Genetics (formerly Invitae), Labcorp
Classification: Pathogenic. Last evaluated: 2022-07-12. Review status: criteria provided, single submitter. Criteria: Invitae Variant Classification Sherloc (09022015). Collection method: clinical testing. Allele origin: germline.
Comment: For these reasons, this variant has been classified as Pathogenic. ClinVar contains an entry for this variant (Variation ID: 1413151). This variant has not been reported in the literature in individuals affected with ACO2-related conditions. This variant is not present in population databases (gnomAD no frequency). This sequence change creates a premature translational stop signal (p.Trp373*) in the ACO2 gene. It is expected to result in an absent or disrupted protein product. Loss-of-function variants in ACO2 are known to be pathogenic (PMID: 30689204, 32519519).

Literature cited by the submitters: PubMed 30689204; PubMed 32519519.

NM_001098.3(ACO2):c.1119G>A (p.Trp373Ter)

Gene: ACO2 (aconitase 2; plus strand). Cytogenetic location: 22q13.2.
Variant type: single nucleotide variant.
Coding change: c.1119G>A on transcript NM_001098.3 (MANE Select); coding-DNA position 1119, G replaced by A.
Protein change: p.Trp373Ter; replaces tryptophan 373 with a stop codon.
Molecular consequence: nonsense.
Genome position (GRCh38, 1-based): chr22:41,520,257, G>A. VCF-style: chr22-41520257-G-A. GRCh37 (hg19) VCF-style: chr22-41916261-G-A.
Other names: short protein forms W373*.
Identifiers: ClinVar variation 1413151 (VCV001413151.6), dbSNP rs2146130989, ClinGen allele CA411724091.